The following is an entry in ClinVar:

NM_006912.6(RIT1):c.244T>C (p.Phe82Leu)

Gene: RIT1 (Ras like without CAAX 1; minus strand). Cytogenetic location: 1q22.
Variant type: single nucleotide variant.
Coding change: c.244T>C on transcript NM_006912.6 (MANE Select); coding-DNA position 244, T replaced by C.
Protein change: p.Phe82Leu; replaces phenylalanine 82 with leucine.
Molecular consequence: missense variant.
Genome position (GRCh38, 1-based): chr1:155,904,496, A>G on the plus strand (T>C on the coding strand, the complement: RIT1 is on the minus strand). VCF-style: chr1-155904496-A-G. GRCh37 (hg19) VCF-style: chr1-155874287-A-G.
Other names: c.244T>C, p.Phe82Leu (LRG_1372t1); c.295T>C (NM_001256821.1); c.136T>C, p.Phe46Leu (NM_001256820.2); c.295T>C, p.Phe99Leu (NM_001256821.2); short protein forms F82L, F99L, F46L.
Identifiers: ClinVar variation 183407 (VCV000183407.30), dbSNP rs869025194, ClinGen allele CA353877.

ClinVar aggregate classification (germline): Pathogenic. Review status: criteria provided, multiple submitters, no conflicts (2 of 4 stars). 17 submissions from 17 submitters: Pathogenic (13). 4 of the submissions do not count toward it. Last evaluated 2025-08-12.

Conditions:
Noonan syndrome and Noonan-related syndrome. Identifiers: Orphanet 98733, MedGen C5681679, MONDO:0020297.
RIT1-related disorder. Also called: RIT1-related condition.
Noonan syndrome 8 (NS8). Identifiers: Orphanet 648, MedGen C3809233, MONDO:0014143, OMIM 615355.
Noonan syndrome (NS). Also called: Noonan's syndrome. Identifiers: Orphanet 648, MedGen C0028326, MeSH D009634, MONDO:0018997. Disease mechanism: gain of function.
RASopathy. Also called: Noonan spectrum disorder; rasopathies. Identifiers: Orphanet 536391, MedGen C5555857, MONDO:0021060.

Submissions (17):

Dasa
Classification: Pathogenic. Last evaluated: 2025-08-12. Review status: criteria provided, single submitter. Criteria: DASA Assertion Criteria. Collection method: clinical testing. Allele origin: germline.
Comment: NM_006912.6(RIT1):c.244T>C (p.Phe82Leu) is a missense variant that results in the substitution of phenylalanine with leucine. This variant results in the same amino acid change as a previously established pathogenic variant. The affected residue or protein region has prior evidence supporting clinical relevance. De novo occurrence has been reported in an individual with related phenotype. Functional evidence supports a deleterious effect on the gene or gene product (PMID: 27699752). This variant has been reported in individuals with related phenotype (PMID: 27699752). Multiple computational predictions support a deleterious effect on the gene or gene product. The variant is present at low frequency in population datasets. Based on the available data, this variant is classified as pathogenic.

Genomic Medicine Lab, University of California San Francisco
Classification: Pathogenic for Noonan syndrome 8. Last evaluated: 2024-01-19. Review status: criteria provided, single submitter. Criteria: ACMG Guidelines, 2015. Collection method: clinical testing. Allele origin: de novo. Affected: yes.

GeneDx
Classification: Pathogenic. Last evaluated: 2024-01-18. Review status: criteria provided, single submitter. Criteria: GeneDx Variant Classification Process June 2021. Collection method: clinical testing. Allele origin: germline. Affected: yes.
Comment: Not observed at significant frequency in large population cohorts (gnomAD); In silico analysis supports that this missense variant has a deleterious effect on protein structure/function; This variant is associated with the following publications: (PMID: 25124994, 35627109, 35574990, 27699752, 27101134, 26757980)

Women's Health and Genetics/Laboratory Corporation of America, LabCorp
Classification: Pathogenic for RASopathy. Last evaluated: 2023-06-12. Review status: criteria provided, single submitter. Criteria: LabCorp Variant Classification Summary - May 2015. Collection method: clinical testing. Allele origin: germline.
Comment: Variant summary: RIT1 c.244T>C (p.Phe82Leu) results in a non-conservative amino acid change located in the small GTP-binding protein domain (IPR005225) of the encoded protein sequence. Four of five in-silico tools predict a damaging effect of the variant on protein function. The variant was absent in 250842 control chromosomes (gnomAD). c.244T>C has been reported in the literature in multiple individuals affected with Noonan Syndrome, including several cases where it has been reported as a de novo occurrence (e.g.Cave_2016, Arroyo-Carrera_2016, Kouz_2016). These data indicate that the variant is very likely to be associated with disease. Furthermore, another variant resulting in the same amino acid change (c.246T>G, p.Phe82Leu) has been previously classified as pathogenic. The following publications have been ascertained in the context of this evaluation (PMID: 27699752, 25124994, 26757980, 27101134). Six submitters have provided clinical-significance assessments for this variant to ClinVar after 2014 and all classified the variant as pathogenic. Based on the evidence outlined above, the variant was classified as pathogenic.

Genome-Nilou Lab
Classification: Pathogenic for Noonan syndrome 8. Last evaluated: 2023-04-11. Review status: criteria provided, single submitter. Criteria: ACMG Guidelines, 2015. Collection method: clinical testing. Allele origin: germline. Affected: no.

Blueprint Genetics
Classification: Pathogenic for RIT1-related disorders. Last evaluated: 2023-03-17. Review status: criteria provided, single submitter. Criteria: ACMG Guidelines, 2015. Collection method: clinical testing. Allele origin: de novo. Affected: yes. Observed: 3 variant alleles.

Revvity Omics, Revvity
Classification: Pathogenic for Noonan syndrome 8. Last evaluated: 2022-12-20. Review status: criteria provided, single submitter. Criteria: ACMG Guidelines, 2015. Collection method: clinical testing. Allele origin: germline.

Labcorp Genetics (formerly Invitae), Labcorp
Classification: Pathogenic for Noonan syndrome 8. Last evaluated: 2022-08-17. Review status: criteria provided, single submitter. Criteria: Invitae Variant Classification Sherloc (09022015). Collection method: clinical testing. Allele origin: germline.
Comment: This variant disrupts the p.Phe82 amino acid residue in RIT1. Other variant(s) that disrupt this residue have been determined to be pathogenic (PMID: 23791108, 24939608, 25049390, 26757980, 27101134). This suggests that this residue is clinically significant, and that variants that disrupt this residue are likely to be disease-causing. For these reasons, this variant has been classified as Pathogenic. Advanced modeling of protein sequence and biophysical properties (such as structural, functional, and spatial information, amino acid conservation, physicochemical variation, residue mobility, and thermodynamic stability) performed at Invitae indicates that this missense variant is expected to disrupt RIT1 protein function. ClinVar contains an entry for this variant (Variation ID: 183407). This missense change has been observed in individual(s) with Noonan syndrome (PMID: 27699752). In at least one individual the variant was observed to be de novo. This variant is not present in population databases (gnomAD no frequency). This sequence change replaces phenylalanine, which is neutral and non-polar, with leucine, which is neutral and non-polar, at codon 82 of the RIT1 protein (p.Phe82Leu).

MGZ Medical Genetics Center
Classification: Pathogenic for Noonan syndrome 8. Last evaluated: 2022-06-24. Review status: criteria provided, single submitter. Criteria: ACMG Guidelines, 2015. Collection method: clinical testing. Allele origin: germline. Affected: yes. Observed: 1 variant allele.
Comment: ACMG criteria applied: PS1, PS4, PM6, PM2_SUP, PP2, PP3

Institute of Medical Genetics and Applied Genomics, University Hospital Tübingen
Classification: Pathogenic. Last evaluated: 2020-10-23. Review status: criteria provided, single submitter. Criteria: ACMG Guidelines, 2015. Collection method: clinical testing. Allele origin: germline. Inheritance: Unknown mechanism. Affected: yes.

Genome Diagnostics Laboratory, The Hospital for Sick Children
Classification: Pathogenic for Noonan syndrome and Noonan-related syndrome. Last evaluated: 2020-05-01. Review status: criteria provided, single submitter. Criteria: ACMG Guidelines, 2015. Collection method: clinical testing. Allele origin: germline. Affected: yes.

Juno Genomics, Hangzhou Juno Genomics, Inc
Classification: Pathogenic for Noonan syndrome 8. Review status: criteria provided, single submitter. Criteria: ACMG Guidelines, 2015. Collection method: clinical testing. Allele origin: germline. Affected: yes.
Comment: Absent from controls (or at extremely low frequency if recessive) in Genome Aggregation Database.;Same amino acid change as a previously established pathogenic variant regardless of nucleotide change.;The prevalence of the variant in affected individuals is significantly increased compared to the prevalence in controls.;De novo (both maternity and paternity confirmed) in a patient with the disease and no family history.;Multiple lines of computational evidence support a deleterious effect on the gene or gene product.

Rady Children's Institute for Genomic Medicine, Rady Children's Hospital San Diego
Classification: Pathogenic for Noonan syndrome 8. Review status: criteria provided, single submitter. Criteria: ACMG Guidelines, 2015. Collection method: clinical testing. Allele origin: germline. Affected: yes.
Comment: This variant is also referred to as c.244T>C (p.Phe82Leu) in the literature due to use of an alternate transcript. The c.295T>C (p.Phe99Leu) variant has been previously reported as a de novo change in an individual with Noonan syndrome (PMID: 27699752). The p.Phe99 amino acid residue is a mutational hotspot for pathogenic variants associated with Rasopathy phenotypes (PMID: 33190430, 23791108, 30266093, 26242988, 32596782). The c.295T>C (p.Phe99Leu) variant affects a highly conserved amino acid and is predicted by multiple in silico tools to have a deleterious effect on protein function. It is absent from the gnomAD population database and thus presumed to be rare. Based on the available evidence, c.295T>C (p.Phe99Leu) is classified as Pathogenic.

PreventionGenetics, part of Exact Sciences
Classification: Pathogenic for RIT1-related condition. Last evaluated: 2023-12-26. Review status: no assertion criteria provided. Collection method: clinical testing. Allele origin: germline. Not counted in ClinVar's aggregate classification.
Comment: The RIT1 c.295T>C variant is predicted to result in the amino acid substitution p.Phe99Leu. This variant, also referred to as p.Phe82Leu (NM_006912.5), has been reported in multiple individuals with Noonan syndrome and confirmed as de novo in multiple cases (Dufke et al. 2022. PubMed ID: 35574990; Kucińska-Chahwan et al. 2022. PubMed ID: 35627109). Additionally, alternate nucleotide substitutions (c.246T>A, c.246T>G) resulting in the same missense variant have been reported as pathogenic (Aoki et al. 2013. PubMed ID: 23791108; Normand et al. 2018. PubMed ID: 30266093; Liu et al. 2020. PubMed ID: 33190430). This variant has not been reported in a large population database, indicating this variant is rare. This variant is interpreted as pathogenic.

Clinical Genetics DNA and cytogenetics Diagnostics Lab, Erasmus MC, Erasmus Medical Center
Classification: Likely pathogenic. Review status: no assertion criteria provided. Collection method: clinical testing. Allele origin: germline. Affected: yes. Study: VKGL Data-share Consensus. Not counted in ClinVar's aggregate classification.

Joint Genome Diagnostic Labs from Nijmegen and Maastricht, Radboudumc and MUMC+
Classification: Pathogenic. Review status: no assertion criteria provided. Collection method: clinical testing. Allele origin: germline. Affected: yes. Study: VKGL Data-share Consensus. Not counted in ClinVar's aggregate classification.

Service de Génétique Moléculaire, Hôpital Robert Debré
Classification: Pathogenic for Noonan's syndrome. Review status: no assertion criteria provided. Criteria: clinical testing. Collection method: clinical testing. Allele origin: unknown. Affected: yes. Observed: 1 variant allele. Not counted in ClinVar's aggregate classification.

Literature cited by the submitters: PubMed 27699752 (cited by 3 submitters); PubMed 27101134 (cited by Women's Health and Genetics/Laboratory Corporation of America, LabCorp and Labcorp Genetics (formerly Invitae), Labcorp); PubMed 26757980 (cited by Women's Health and Genetics/Laboratory Corporation of America, LabCorp and Labcorp Genetics (formerly Invitae), Labcorp); PubMed 25124994 (cited by Women's Health and Genetics/Laboratory Corporation of America, LabCorp); PubMed 23791108 (cited by Labcorp Genetics (formerly Invitae), Labcorp); PubMed 24939608 (cited by Labcorp Genetics (formerly Invitae), Labcorp); PubMed 25049390 (cited by Labcorp Genetics (formerly Invitae), Labcorp).